The following is an entry in ClinVar:

ClinVar aggregate classification (germline): Conflicting classifications of pathogenicity. Review status: criteria provided, conflicting classifications (1 of 4 stars). 3 submissions from 3 submitters: Uncertain significance (2); Likely benign (1). Last evaluated 2026-09-18.

Conditions:
CHARGE syndrome (CHARGE). Also called: Coloboma, heart anomaly, choanal atresia, retardation, genital and ear anomalies; CHARGE association; Hall-Hittner syndrome; Hittner Hirsch Kreh syndrome; CHARGE ASSOCIATION--COLOBOMA, HEART ANOMALY, CHOANAL ATRESIA, RETARDATION, GENITAL AND EAR ANOMALIES. Identifiers: Orphanet 138, MedGen C0265354, MONDO:0008965.
CHD7-related disorder. Also called: CHD7-related condition.

gnomAD v4.1: 10 of 1,607,368 alleles (0.00062%); highest among the groups gnomAD compares: Non-Finnish European, 0.00085%; no homozygotes.

Submissions (3):

PreventionGenetics, part of Exact Sciences
Classification: Uncertain significance for CHD7-related condition. Last evaluated: 2026-09-18. Review status: criteria provided, single submitter. Criteria: ACMG Guidelines, 2015. Collection method: clinical testing. Allele origin: germline.
Comment: The CHD7 c.7108G>C variant is predicted to result in the amino acid substitution p.Gly2370Arg. To our knowledge, this variant has not been reported in the literature. This variant is reported in 0.0025% of alleles in individuals of European (Non-Finnish) descent in gnomAD. At this time, the clinical significance of this variant is uncertain due to the absence of conclusive functional and genetic evidence.

GeneDx
Classification: Uncertain significance. Last evaluated: 2025-10-11. Review status: criteria provided, single submitter. Criteria: GeneDx Variant Classification Process June 2021. Collection method: clinical testing. Allele origin: germline. Affected: yes.
Comment: Not observed at significant frequency in large population cohorts (gnomAD); In silico analysis suggests that this missense variant does not alter protein structure/function; Has not been previously published as pathogenic or benign to our knowledge

Labcorp Genetics (formerly Invitae), Labcorp
Classification: Likely benign for CHARGE syndrome. Last evaluated: 2024-10-30. Review status: criteria provided, single submitter. Criteria: Invitae Variant Classification Sherloc (09022015). Collection method: clinical testing. Allele origin: germline.

NM_017780.4(CHD7):c.7108G>C (p.Gly2370Arg)

Gene: CHD7 (chromodomain helicase DNA binding protein 7; plus strand). Cytogenetic location: 8q12.2.
Variant type: single nucleotide variant.
Coding change: c.7108G>C on transcript NM_017780.4 (MANE Select); coding-DNA position 7108, G replaced by C.
Protein change: p.Gly2370Arg; replaces glycine 2370 with arginine.
Molecular consequence: missense variant. On other transcripts: intron variant (1).
Genome position (GRCh38, 1-based): chr8:60,856,146, G>C. VCF-style: chr8-60856146-G-C. GRCh37 (hg19) VCF-style: chr8-61768705-G-C.
Other names: c.1717-6083G>C (NM_001316690.1); c.7108G>C (NM_017780.3); short protein forms G2370R.
Identifiers: ClinVar variation 1707041 (VCV001707041.9), dbSNP rs185940313, ClinGen allele CA4760740.
Genomic context (GRCh38, chr8:60,856,146, plus strand): 5'-ACACCCACCACAGTGGACAGCCCCTTGCAGAAGAGGAGCTTTGCTGAGCTCTCCATGGTC[G>C]GCCAAGCCAGCATTAGTGGGAGTGAGGACATCACTACGTCTCCTCAGTTGTCAAAGGTGA-3'
Protein context (NP_060250.2, residues 2360-2380): KRSFAELSMV[Gly2370Arg]QASISGSEDI